The following is an entry in ClinVar:

ClinVar aggregate classification (germline): Uncertain significance. Review status: criteria provided, multiple submitters, no conflicts (2 of 4 stars). 2 submissions from 2 submitters: Uncertain significance (2). Last evaluated 2024-10-15.

Conditions:
Cowden syndrome (CS). Also called: Cowden's disease; Cowden's syndrome; Cowden disease. Identifiers: Orphanet 201, MedGen C0018553, MONDO:0016063. Disease mechanism: gain of function.

Allele frequency attached by ClinVar (database versions not stated): TOPMed 0.00001; gnomAD exomes 0.00002; gnomAD 0.00003.
gnomAD v4.1: 14 of 1,608,598 alleles (0.00087%); no homozygotes.

Submissions (2):

Blueprint Genetics
Classification: Uncertain significance. Last evaluated: 2024-10-15. Review status: criteria provided, single submitter. Criteria: ACMG Guidelines, 2015. Collection method: clinical testing. Allele origin: germline.

Labcorp Genetics (formerly Invitae), Labcorp
Classification: Uncertain significance for Cowden syndrome. Last evaluated: 2023-10-22. Review status: criteria provided, single submitter. Criteria: Invitae Variant Classification Sherloc (09022015). Collection method: clinical testing. Allele origin: germline.
Comment: This sequence change replaces lysine, which is basic and polar, with arginine, which is basic and polar, at codon 627 of the PIK3CA protein (p.Lys627Arg). This variant is present in population databases (no rsID available, gnomAD 0.02%). This variant has not been reported in the literature in individuals affected with PIK3CA-related conditions. Advanced modeling of protein sequence and biophysical properties (such as structural, functional, and spatial information, amino acid conservation, physicochemical variation, residue mobility, and thermodynamic stability) has been performed at Invitae for this missense variant, however the output from this modeling did not meet the statistical confidence thresholds required to predict the impact of this variant on PIK3CA protein function. In summary, the available evidence is currently insufficient to determine the role of this variant in disease. Therefore, it has been classified as a Variant of Uncertain Significance.

NM_006218.4(PIK3CA):c.1880A>G (p.Lys627Arg)

Gene: PIK3CA (phosphatidylinositol-4,5-bisphosphate 3-kinase catalytic subunit alpha; plus strand). Cytogenetic location: 3q26.32.
Variant type: single nucleotide variant.
Coding change: c.1880A>G on transcript NM_006218.4 (MANE Select); coding-DNA position 1880, A replaced by G.
Protein change: p.Lys627Arg; replaces lysine 627 with arginine.
Molecular consequence: missense variant.
Genome position (GRCh38, 1-based): chr3:179,219,704, A>G. VCF-style: chr3-179219704-A-G. GRCh37 (hg19) VCF-style: chr3-178937492-A-G.
Other names: short protein forms K627R.
Identifiers: ClinVar variation 2882581 (VCV002882581.4), dbSNP rs1425290574, ClinGen allele CA355266951.